The following is an entry in ClinVar:

ClinVar aggregate classification (germline): Uncertain significance (1 of 4 stars; one submission).

Conditions:
Cardiovascular phenotype. Identifiers: MedGen CN230736.

gnomAD v4.1: 4 of 1,558,038 alleles (0.00026%); highest among the groups gnomAD compares: Non-Finnish European, 0.00026%; no homozygotes.

Submission:

Ambry Genetics
Classification: Uncertain significance for Cardiovascular phenotype. Last evaluated: 2026-04-27. Review status: criteria provided, single submitter. Criteria: Ambry Variant Classification Scheme 2023. Collection method: clinical testing. Allele origin: germline.
Comment: The p.G420D variant (also known as c.1259G>A), located in coding exon 2 of the GDF2 gene, results from a G to A substitution at nucleotide position 1259. The glycine at codon 420 is replaced by aspartic acid, an amino acid with similar properties. This amino acid position is conserved. Based on the available evidence, the clinical significance of this variant remains unclear.

NM_016204.4(GDF2):c.1259G>A (p.Gly420Asp)

Gene: GDF2 (growth differentiation factor 2; plus strand). Cytogenetic location: 10q11.22.
Variant type: single nucleotide variant.
Coding change: c.1259G>A on transcript NM_016204.4 (MANE Select); coding-DNA position 1259, G replaced by A.
Protein change: p.Gly420Asp; replaces glycine 420 with aspartic acid.
Molecular consequence: missense variant.
Genome position (GRCh38, 1-based): chr10:47,325,753, G>A. VCF-style: chr10-47325753-G-A. GRCh37 (hg19) VCF-style: chr10-48413609-C-T.
Other names: short protein forms G420D.
Identifiers: ClinVar variation 4857909 (VCV004857909.1).